The following is an entry in ClinVar:

ClinVar aggregate classification (germline): Uncertain significance (1 of 4 stars; one submission).

Submission:

Ambry Genetics
Classification: Uncertain significance. Last evaluated: 2024-08-07. Review status: criteria provided, single submitter. Criteria: Ambry Variant Classification Scheme 2023. Collection method: clinical testing. Allele origin: germline.
Comment: The p.Q261H variant (also known as c.783G>C), located in coding exon 8 of the FAM175A gene, results from a G to C substitution at nucleotide position 783. The glutamine at codon 261 is replaced by histidine, an amino acid with highly similar properties. This amino acid position is conserved. In addition, this alteration is predicted to be tolerated by in silico analysis. Based on the available evidence, the clinical significance of this variant remains unclear.

NM_139076.3(ABRAXAS1):c.783G>C (p.Gln261His)

Gene: ABRAXAS1 (abraxas 1, BRCA1 A complex subunit; minus strand). Cytogenetic location: 4q21.23.
Variant type: single nucleotide variant.
Coding change: c.783G>C on transcript NM_139076.3 (MANE Select); coding-DNA position 783, G replaced by C.
Protein change: p.Gln261His; replaces glutamine 261 with histidine.
Molecular consequence: missense variant.
Genome position (GRCh38, 1-based): chr4:83,463,507, C>G on the plus strand (G>C on the coding strand, the complement: ABRAXAS1 is on the minus strand). VCF-style: chr4-83463507-C-G. GRCh37 (hg19) VCF-style: chr4-84384660-C-G.
Other names: c.456G>C, p.Gln152His (NM_001345962.2); short protein forms Q261H, Q152H.
Identifiers: ClinVar variation 3441927 (VCV003441927.1).
Genomic context (GRCh38, chr4:83,463,507, plus strand): 5'-AAATAAAAATTTTTAGCACAGAAAGTAGAGATGTGTTGTTTACTTACTTGCTGCCTGAAT[C>G]TGTGCTCCTCTCCTTTTCTCAATTTCTCGTTTTAATCTGTTTACATCCTTTACTAGTTTA-3'
Protein context (NP_620775.2, residues 251-271): KREIEKRRGA[Gln261His]IQAAREKNIQ